The following is an entry in ClinVar:

ClinVar aggregate classification (germline): Likely benign (0 of 4 stars; one submission).

Conditions:
DCHS2-related disorder. Also called: DCHS2-related condition.

Allele frequency attached by ClinVar (database versions not stated): ExAC 0.00041; ESP Exome Variant Server 0.00088.
gnomAD v4.1: 898 of 1,551,530 alleles (0.058%); highest among the groups gnomAD compares: Non-Finnish European, 0.071%; 1 homozygote.

Submission:

PreventionGenetics, part of Exact Sciences
Classification: Likely benign for DCHS2-related condition. Last evaluated: 2019-12-19. Review status: no assertion criteria provided. Collection method: clinical testing. Allele origin: germline.
Comment: This variant is classified as likely benign based on ACMG/AMP sequence variant interpretation guidelines (Richards et al. 2015 PMID: 25741868, with internal and published modifications).

NM_001358235.2(DCHS2):c.552C>G (p.Thr184=)

Gene: DCHS2 (dachsous cadherin-related 2; minus strand). Cytogenetic location: 4q31.3.
Variant type: single nucleotide variant.
Coding change: c.552C>G on transcript NM_001358235.2 (MANE Select); coding-DNA position 552, C replaced by G.
Protein change: p.Thr184=; no amino-acid change (threonine 184 retained).
Molecular consequence: synonymous variant.
Genome position (GRCh38, 1-based): chr4:154,490,804, G>C on the plus strand (C>G on the coding strand, the complement: DCHS2 is on the minus strand). VCF-style: chr4-154490804-G-C. GRCh37 (hg19) VCF-style: chr4-155411956-G-C.
Other names: c.552C>G, p.Thr184= (NM_001142552.2, NM_001412223.1).
Identifiers: ClinVar variation 3040552 (VCV003040552.2), dbSNP rs373489427, ClinGen allele CA3113893.